The following is an entry in ClinVar:

ClinVar aggregate classification (germline): Conflicting classifications of pathogenicity. Review status: criteria provided, conflicting classifications (1 of 4 stars). 4 submissions from 4 submitters: Uncertain significance (3); Likely benign (1). Last evaluated 2026-01-26.

Conditions:
Bethlem myopathy 2 (BTHLM2). Identifiers: Orphanet 536516, Orphanet 610, MedGen C4225313, MONDO:0034022, OMIM 616471.
Ullrich congenital muscular dystrophy 2 (UCMD2). Identifiers: Orphanet 75840, MedGen C4225314, MONDO:0014654, OMIM 616470.

Allele frequency attached by ClinVar (database versions not stated): gnomAD exomes below 0.00001; gnomAD 0.00003 and 0.00004; TOPMed 0.00004.
gnomAD v4.1: 7 of 1,613,934 alleles (0.00043%); highest among the groups gnomAD compares: African/African-American, 0.008%; no homozygotes.

Submissions (4):

Women's Health and Genetics/Laboratory Corporation of America, LabCorp
Classification: Uncertain significance. Last evaluated: 2026-01-26. Review status: criteria provided, single submitter. Criteria: LabCorp Variant Classification Summary - May 2015. Collection method: clinical testing. Allele origin: germline.
Comment: Variant summary: COL12A1 c.2693A>G (p.Glu898Gly) results in a non-conservative amino acid change in the encoded protein sequence. Algorithms developed to predict the effect of missense changes on protein structure and function are either unavailable or do not agree on the potential impact of this missense change. The variant allele was found at a frequency of 4e-06 in 248832 control chromosomes. The available data on variant occurrences in the general population are insufficient to allow any conclusion about variant significance. To our knowledge, no occurrence of c.2693A>G in individuals affected with COL12A1-related conditions and no experimental evidence demonstrating its impact on protein function have been reported. ClinVar contains an entry for this variant (Variation ID: 1318572). Based on the evidence outlined above, the variant was classified as uncertain significance.

Labcorp Genetics (formerly Invitae), Labcorp
Classification: Likely benign for Bethlem myopathy 2; Ullrich congenital muscular dystrophy 2. Last evaluated: 2026-01-18. Review status: criteria provided, single submitter. Criteria: Invitae Variant Classification Sherloc (09022015). Collection method: clinical testing. Allele origin: germline.

Revvity Omics, Revvity
Classification: Uncertain significance. Last evaluated: 2021-09-20. Review status: criteria provided, single submitter. Criteria: ACMG Guidelines, 2015. Collection method: clinical testing. Allele origin: germline.

GeneDx
Classification: Uncertain significance. Last evaluated: 2019-10-11. Review status: criteria provided, single submitter. Criteria: GeneDx Variant Classification Process June 2021. Collection method: clinical testing. Allele origin: germline. Affected: yes.
Comment: Has not been previously published as pathogenic or benign to our knowledge; Not observed at a significant frequency in large population cohorts (Lek et al., 2016); In silico analysis, which includes protein predictors and evolutionary conservation, supports that this variant does not alter protein structure/function

NM_004370.6(COL12A1):c.2693A>G (p.Glu898Gly)

Gene: COL12A1 (collagen type XII alpha 1 chain; minus strand). Cytogenetic location: 6q13.
Variant type: single nucleotide variant.
Coding change: c.2693A>G on transcript NM_004370.6 (MANE Select); coding-DNA position 2693, A replaced by G.
Protein change: p.Glu898Gly; replaces glutamic acid 898 with glycine.
Molecular consequence: missense variant. On other transcripts: intron variant (1).
Genome position (GRCh38, 1-based): chr6:75,175,055, T>C on the plus strand (A>G on the coding strand, the complement: COL12A1 is on the minus strand). VCF-style: chr6-75175055-T-C. GRCh37 (hg19) VCF-style: chr6-75884771-T-C.
Other names: c.74-22573A>G (NM_080645.3); short protein forms E898G.
Identifiers: ClinVar variation 1318572 (VCV001318572.10), dbSNP rs1180402350, ClinGen allele CA364761123.
Genomic context (GRCh38, chr6:75,175,055, plus strand): 5'-ACAAACAAGTTCCTGGATTTTCAGAAAATATGATGGTAATTACCTTCAAGTGTTGTTCCT[T>C]CACCAAAGAGGGCGTCTCCAGCCCCAGACGCATACAAGGCTGTCACAGATAAGGCGTATT-3'
Protein context (NP_004361.3, residues 888-908): ASGAGDALFG[Glu898Gly]GTTLEERGSP